The following is an entry in ClinVar:

ClinVar aggregate classification (germline): Uncertain significance (1 of 4 stars; one submission).

Conditions:
Congenital sensory neuropathy with selective loss of small myelinated fibers (HSAN5). Also called: HSAN Type V. Identifiers: Orphanet 64752, MedGen C0020075, MONDO:0012092, OMIM 608654.

Submission:

Labcorp Genetics (formerly Invitae), Labcorp
Classification: Uncertain significance for Congenital sensory neuropathy with selective loss of small myelinated fibers. Last evaluated: 2019-03-19. Review status: criteria provided, single submitter. Criteria: Invitae Variant Classification Sherloc (09022015). Collection method: clinical testing. Allele origin: germline.
Comment: This variant has not been reported in the literature in individuals with NGF-related conditions. This variant is not present in population databases (ExAC no frequency). This sequence change replaces leucine with proline at codon 211 of the NGF protein (p.Leu211Pro). The leucine residue is highly conserved and there is a moderate physicochemical difference between leucine and proline. Algorithms developed to predict the effect of missense changes on protein structure and function (SIFT, PolyPhen-2, Align-GVGD) all suggest that this variant is likely to be disruptive, but these predictions have not been confirmed by published functional studies and their clinical significance is uncertain. In summary, the available evidence is currently insufficient to determine the role of this variant in disease. Therefore, it has been classified as a Variant of Uncertain Significance.

NM_002506.3(NGF):c.632T>C (p.Leu211Pro)

Genes: NGF (nerve growth factor; minus strand), NGF-AS1 (NGF antisense RNA 1; plus strand). Cytogenetic location: 1p13.2.
Variant type: single nucleotide variant.
Coding change: c.632T>C on transcript NM_002506.3 (MANE Select); coding-DNA position 632, T replaced by C.
Protein change: p.Leu211Pro; replaces leucine 211 with proline.
Molecular consequence: missense variant.
Genome position (GRCh38, 1-based): chr1:115,286,164, A>G on the plus strand (T>C on the coding strand, the complement: NGF is on the minus strand). VCF-style: chr1-115286164-A-G. GRCh37 (hg19) VCF-style: chr1-115828785-A-G.
Other names: short protein forms L211P.
Identifiers: ClinVar variation 837334 (VCV000837334.9), dbSNP rs1653491943, ClinGen allele CA341836115.